The following is an entry in ClinVar:

ClinVar aggregate classification (germline): Conflicting classifications of pathogenicity. Review status: criteria provided, conflicting classifications (1 of 4 stars). 2 submissions from 2 submitters: Uncertain significance (1); Likely benign (1). Last evaluated 2021-06-07.

Allele frequency attached by ClinVar (database versions not stated): gnomAD exomes 0.00008 and 0.00025; 1000 Genomes Project 30x 0.00016; gnomAD 0.00016 and 0.00017; TOPMed 0.00017; 1000 Genomes Project 0.00020; ExAC 0.00040.

Submissions (2):

GeneDx
Classification: Uncertain significance. Last evaluated: 2021-06-07. Review status: criteria provided, single submitter. Criteria: GeneDx Variant Classification Process June 2021. Collection method: clinical testing. Allele origin: germline. Affected: yes.
Comment: In silico analysis supports that this missense variant has a deleterious effect on protein structure/function; Has not been previously published as pathogenic or benign to our knowledge; This variant is associated with the following publications: (PMID: 27535533)

Laboratory for Molecular Medicine, Mass General Brigham Personalized Medicine
Classification: Likely benign. Last evaluated: 2017-09-21. Review status: criteria provided, single submitter. Criteria: LMM Criteria. Collection method: clinical testing. Allele origin: germline. Observed: 1 variant allele.
Comment: p.Pro136Leu in exon 4 of OTOG: This variant is not expected to have clinical sig nificance due to a lack of conservation across species, including mammals. Of no te, three mammals (oranutang, cow, tenrec) have a leucine (Leu) at this position despite high nearby amino acid conservation. In addition, computational predict ion tools do not suggest a high likelihood of impact to the protein. It has also been identified in 0.1% (12/11744) of East Asian chromosomes and 38/173206 tota l chromosomes by the Genome Aggregation Database (gnomAD; dbSNP rs542646349).

NM_001292063.2(OTOG):c.371C>T (p.Pro124Leu)

Gene: OTOG (otogelin; plus strand). Cytogenetic location: 11p15.1.
Variant type: single nucleotide variant.
Coding change: c.371C>T on transcript NM_001292063.2 (MANE Select); coding-DNA position 371, C replaced by T.
Protein change: p.Pro124Leu; replaces proline 124 with leucine.
Molecular consequence: missense variant.
Genome position (GRCh38, 1-based): chr11:17,553,197, C>T. VCF-style: chr11-17553197-C-T. GRCh37 (hg19) VCF-style: chr11-17574744-C-T.
Other names: c.407C>T, p.Pro136Leu (NM_001277269.2); short protein forms P136L, P124L.
Identifiers: ClinVar variation 517609 (VCV000517609.7), dbSNP rs542646349, ClinGen allele CA5905342.